The following is an entry in ClinVar:

NM_181552.4(CUX1):c.2346G>A (p.Pro782=)

Gene: CUX1 (cut like homeobox 1; plus strand). Cytogenetic location: 7q22.1.
Variant type: single nucleotide variant.
Coding change: c.2346G>A on transcript NM_181552.4 (MANE Select); coding-DNA position 2346, G replaced by A.
Protein change: p.Pro782=; no amino-acid change (proline 782 retained).
Molecular consequence: synonymous variant. On other transcripts: intron variant (5).
Genome position (GRCh38, 1-based): chr7:102,201,643, G>A. VCF-style: chr7-102201643-G-A. GRCh37 (hg19) VCF-style: chr7-101844923-G-A.
Other names: c.2379G>A, p.Pro793= (NM_001202543.2); c.1255+6040G>A (NM_001913.5); c.1249+6040G>A (NM_181500.4); c.1117+6040G>A (NM_001202545.3); c.1207+6040G>A (NM_001202544.3); c.1138+6040G>A (NM_001202546.3).
Identifiers: ClinVar variation 4873235 (VCV004873235.2).
Genomic context (GRCh38, chr7:102,201,643, plus strand): 5'-CTCCCTGAAGAAGCCCTCCGCAGCTCCTGAGGCCGGTGCCTCTGCTCTGCCGAACCCCCC[G>A]GCCCTCAAAAAGGAGGCCCAGGACGCCCCCGGGCTGGACCCCCAGGGAGCAGCCGATTGT-3'
Protein context (NP_853530.2, residues 772-792): EAGASALPNP[Pro782=]ALKKEAQDAP

ClinVar aggregate classification (germline): Likely benign (1 of 4 stars; one submission).

gnomAD v4.1: 30 of 1,613,352 alleles (0.0019%); highest among the groups gnomAD compares: Admixed American, 0.0083%; no homozygotes.

Submission:

CeGaT Center for Human Genetics Tuebingen
Classification: Likely benign. Last evaluated: 2026-05-01. Review status: criteria provided, single submitter. Criteria: CeGaT Center For Human Genetics Tuebingen Variant Classification Criteria Version 2. Collection method: clinical testing. Allele origin: germline. Affected: yes. Observed: 1 variant allele.
Comment: CUX1: BP4, BP7